The following is an entry in ClinVar:

ClinVar aggregate classification (germline): Likely pathogenic. Review status: criteria provided, single submitter (1 of 4 stars). 4 submissions from 4 submitters: Likely pathogenic (1). 3 of the submissions do not count toward it. Last evaluated 2024-07-19.

Conditions:
Distal spinal muscular atrophy. Also called: Distal hereditary motor neuronopathy; Distal hereditary motor neuropathy. Identifiers: Orphanet 53739, MedGen C0393541, MONDO:0018894.
Amyotrophic lateral sclerosis type 4 (ALS4). Also called: AMYOTROPHIC LATERAL SCLEROSIS 4, JUVENILE; NEURONOPATHY, DISTAL HEREDITARY MOTOR, WITH PYRAMIDAL FEATURES. Identifiers: Orphanet 357043, MedGen C1865409, MONDO:0011223, OMIM 602433.

gnomAD v4.1: 1 of 1,614,102 alleles (0.000062%); highest among the groups gnomAD compares: Non-Finnish European, 0.000085%; no homozygotes.

Submissions (4):

GeneDx
Classification: Likely pathogenic. Last evaluated: 2024-07-19. Review status: criteria provided, single submitter. Criteria: GeneDx Variant Classification Process June 2021. Collection method: clinical testing. Allele origin: germline. Affected: yes.
Comment: Reported in one family with juvenile amyotrophic lateral sclerosis (PMID: 15106121); Published functional studies using mouse models that express this variant demonstrate that it leads to features consistent with SETX-related amyotrophic lateral sclerosis (PMID: 29725819); In silico analysis indicates that this missense variant does not alter protein structure/function; Not observed at significant frequency in large population cohorts (gnomAD); This variant is associated with the following publications: (PMID: 28413711, 31957062, 22577233, 36864660, 23129421, 15106121, 29725819)

Inherited Neuropathy Consortium Ii, University Of Miami
Classification: Uncertain significance for Amyotrophic lateral sclerosis type 4. Last evaluated: 2016-01-06. Review status: no assertion criteria provided. Collection method: literature only. Allele origin: germline. Affected: yes. Not counted in ClinVar's aggregate classification.

OMIM
Classification: Pathogenic for AMYOTROPHIC LATERAL SCLEROSIS 4, JUVENILE. Last evaluated: 2004-06-01. Review status: no assertion criteria provided. Collection method: literature only. Allele origin: germline. Not counted in ClinVar's aggregate classification.

Inherited Neuropathy Consortium
Classification: Uncertain significance for Distal spinal muscular atrophy. Review status: no assertion criteria provided. Collection method: literature only. Allele origin: germline. Affected: yes. Not counted in ClinVar's aggregate classification.

Literature cited by the submitters: PubMed 21494555 (cited by Inherited Neuropathy Consortium Ii, University Of Miami); PubMed 15106121 (cited by OMIM and Inherited Neuropathy Consortium).

NM_015046.7(SETX):c.6407G>A (p.Arg2136His)

Gene: SETX (senataxin; minus strand). Cytogenetic location: 9q34.13.
Variant type: single nucleotide variant.
Coding change: c.6407G>A on transcript NM_015046.7 (MANE Select); coding-DNA position 6407, G replaced by A.
Protein change: p.Arg2136His; replaces arginine 2136 with histidine.
Molecular consequence: missense variant.
Genome position (GRCh38, 1-based): chr9:132,283,403, C>T on the plus strand (G>A on the coding strand, the complement: SETX is on the minus strand). VCF-style: chr9-132283403-C-T. GRCh37 (hg19) VCF-style: chr9-135158790-C-T.
Other names: c.6407G>A (NM_015046.5); c.6407G>A, p.Arg2136His (NM_001351527.2, NM_001351528.2); short protein forms R2136H.
Identifiers: ClinVar variation 2291 (VCV000002291.4), dbSNP rs121434378, ClinGen allele CA252187.